The following is an entry in ClinVar:

ClinVar aggregate classification (germline): Benign. Review status: criteria provided, multiple submitters, no conflicts (2 of 4 stars). 8 submissions from 7 submitters: Benign (7). 1 of the submissions does not count toward it. Last evaluated 2026-02-04.

Conditions:
Bifunctional peroxisomal enzyme deficiency (DBIF). Also called: PBFE DEFICIENCY; D-bifunctional protein deficiency; DBP DEFICIENCY. Identifiers: Orphanet 300, MedGen C0342870, MONDO:0009855, OMIM 261515. Disease mechanism: loss of function.
Perrault syndrome. Also called: Gonadal dysgenesis with auditory dysfunction, autosomal recessive inheritance. Identifiers: Orphanet 2855, MedGen C0685838, MONDO:0017312.
Perrault syndrome 1 (PRLTS1). Also called: GONADAL DYSGENESIS, XX TYPE, WITH DEAFNESS; OVARIAN DYSGENESIS WITH SENSORINEURAL DEAFNESS. Identifiers: Orphanet 2855, Orphanet 642945, MedGen C4551721, MONDO:0009300, OMIM 233400.

Allele frequency attached by ClinVar (database versions not stated): gnomAD exomes 0.01515 and 0.00687; ExAC 0.01799; 1000 Genomes Project 0.04972; TOPMed 0.04016; gnomAD 0.03803 and 0.03699; ESP Exome Variant Server 0.03906; 1000 Genomes Project 30x 0.05122.
gnomAD v4.1: 15,888 of 1,609,234 alleles (0.99%); highest among the groups gnomAD compares: African/African-American, 12%; 711 homozygotes.

Submissions (8):

Labcorp Genetics (formerly Invitae), Labcorp
Classification: Benign for Perrault syndrome; Bifunctional peroxisomal enzyme deficiency. Last evaluated: 2026-02-04. Review status: criteria provided, single submitter. Criteria: Invitae Variant Classification Sherloc (09022015). Collection method: clinical testing. Allele origin: germline.

Athena Diagnostics
Classification: Benign. Last evaluated: 2018-05-24. Review status: criteria provided, single submitter. Criteria: Athena Diagnostics Criteria. Collection method: clinical testing. Allele origin: germline.

Illumina Laboratory Services, Illumina
Classification: Benign for Bifunctional peroxisomal enzyme deficiency. Last evaluated: 2018-01-13. Review status: criteria provided, single submitter. Criteria: ICSL Variant Classification Criteria 13 December 2019. Collection method: clinical testing. Allele origin: germline.
Comment: This variant was observed in the ICSL laboratory as part of a predisposition screen in an ostensibly healthy population. It had not been previously curated by ICSL or reported in the Human Gene Mutation Database (HGMD: prior to June 1st, 2018), and was therefore a candidate for classification through an automated scoring system. Utilizing variant allele frequency, disease prevalence and penetrance estimates, and inheritance mode, an automated score was calculated to assess if this variant is too frequent to cause the disease. Based on the score and internal cut-off values, a variant classified as benign is not then subjected to further curation. The score for this variant resulted in a classification of benign for this disease.

Illumina Laboratory Services, Illumina
Classification: Benign for Perrault syndrome 1. Last evaluated: 2018-01-13. Review status: criteria provided, single submitter. Criteria: ICSL Variant Classification Criteria 13 December 2019. Collection method: clinical testing. Allele origin: germline.
Comment: the same text as in the submission from Illumina Laboratory Services, Illumina above.

GeneDx
Classification: Benign. Last evaluated: 2017-09-18. Review status: criteria provided, single submitter. Criteria: GeneDx Variant Classification (06012015). Collection method: clinical testing. Allele origin: germline. Affected: yes.
Comment: This variant is considered likely benign or benign based on one or more of the following criteria: it is a conservative change, it occurs at a poorly conserved position in the protein, it is predicted to be benign by multiple in silico algorithms, and/or has population frequency not consistent with disease.

Laboratory for Molecular Medicine, Mass General Brigham Personalized Medicine
Classification: Benign. Last evaluated: 2014-11-24. Review status: criteria provided, single submitter. Criteria: LMM Criteria. Collection method: clinical testing. Allele origin: germline. Observed: 31 variant alleles.
Comment: Tyr758Tyr in exon 25 of HSD17B4: This variant is not expected to have clinical s ignificance because it does not alter an amino acid residue and is not located w ithin the splice consensus sequence. It has been identified in 11.2% (492/4404) of African American chromosomes from a broad population by the NHLBI Exome Seque ncing Project (dbSNP rs12714).

PreventionGenetics, part of Exact Sciences
Classification: Benign. Review status: criteria provided, single submitter. Criteria: ACMG Guidelines, 2015. Collection method: clinical testing. Allele origin: germline.

Mayo Clinic Laboratories, Mayo Clinic
Classification: Benign. Last evaluated: 2015-12-16. Review status: no assertion criteria provided. Collection method: clinical testing. Allele origin: unknown. Not counted in ClinVar's aggregate classification.

NM_000414.4(HSD17B4):c.2199C>T (p.Tyr733=)

Gene: HSD17B4 (hydroxysteroid 17-beta dehydrogenase 4; plus strand). Cytogenetic location: 5q23.1.
Variant type: single nucleotide variant.
Coding change: c.2199C>T on transcript NM_000414.4 (MANE Select); coding-DNA position 2199, C replaced by T.
Protein change: p.Tyr733=; no amino-acid change (tyrosine 733 retained).
Molecular consequence: synonymous variant. On other transcripts: non-coding transcript variant (2).
Genome position (GRCh38, 1-based): chr5:119,541,982, C>T. VCF-style: chr5-119541982-C-T. GRCh37 (hg19) VCF-style: chr5-118877677-C-T.
Other names: c.2274C>T, p.Tyr758= (NM_001199291.3); c.2145C>T, p.Tyr715= (NM_001199292.2); c.2127C>T, p.Tyr709= (NM_001292027.2, NM_001374498.1); c.1779C>T, p.Tyr593= (NM_001292028.2); c.2190C>T, p.Tyr730= (NM_001374497.1); c.1872C>T, p.Tyr624= (NM_001374499.1); c.1758C>T, p.Tyr586= (NM_001374500.1); c.1788C>T, p.Tyr596= (NM_001374501.1, NM_001374502.1, NM_001374503.1).
Identifiers: ClinVar variation 226671 (VCV000226671.22), dbSNP rs12714, ClinGen allele CA3382543.